The following is an entry in ClinVar:

NM_001903.5(CTNNA1):c.859-18del

Gene: CTNNA1 (catenin alpha 1; plus strand). Cytogenetic location: 5q31.2.
Variant type: Deletion.
Coding change: c.859-18del on transcript NM_001903.5 (MANE Select); 18 bases into the intron before coding-DNA position 859, one base deleted (G; older notation c.859-18delG).
Molecular consequence: intron variant.
Genome position (GRCh38, 1-based): chr5:138,827,497, G deleted; the last of 2 consecutive G bases (chr5:138,827,496-138,827,497); deleting either gives the same sequence. VCF-style (leftmost placement, unchanged base first): chr5-138827495-CG-C. GRCh37 (hg19) VCF-style: chr5-138163184-CG-C.
Other names: c.859-18del (NM_001323982.2, NM_001323984.2, NM_001290307.3 and 3 more transcripts); c.490-18del (NM_001290310.3); c.550-18del (NM_001290309.3).
Identifiers: ClinVar variation 3773337 (VCV003773337.1).
Genomic context (GRCh38, chr5:138,827,495, plus strand): 5'-TTACTAATAACACTTTTCTCACCTTGAATAAAGAAGGGAACAGAGATGAGTACTAACATT[CG>C]GTAATACTTTCTCTGCAGAAACAAATCATTGTGGACCCCTTGAGCTTCAGCGAGGAGCGC-3'

ClinVar aggregate classification (germline): Likely benign (1 of 4 stars; one submission).

Conditions:
Hereditary diffuse gastric adenocarcinoma (HDGC). Also called: DIFFUSE GASTRIC AND LOBULAR BREAST CANCER SYNDROME. Identifiers: Orphanet 26106, MedGen C1708349, MONDO:0007648, OMIM 137215.

Submission:

Myriad Genetics, Inc.
Classification: Likely benign for Hereditary diffuse gastric adenocarcinoma. Last evaluated: 2024-10-10. Review status: criteria provided, single submitter. Criteria: Myriad Autosomal Dominant, Autosomal Recessive and X-Linked Classification Criteria (2023). Collection method: clinical testing. Allele origin: unknown.
Comment: This variant is considered likely benign. This variant is intronic and is not expected to impact mRNA splicing.